The following is an entry in ClinVar:

ClinVar aggregate classification (germline): Uncertain significance (1 of 4 stars; one submission).

gnomAD v4.1: 1 of 1,613,504 alleles (0.000062%); no homozygotes.

Submission:

Labcorp Genetics (formerly Invitae), Labcorp
Classification: Uncertain significance. Last evaluated: 2025-10-26. Review status: criteria provided, single submitter. Criteria: Invitae Variant Classification Sherloc (09022015). Collection method: clinical testing. Allele origin: germline.
Comment: This sequence change replaces histidine, which is basic and polar, with glutamine, which is neutral and polar, at codon 804 of the TCIRG1 protein (p.His804Gln). This variant is not present in population databases (gnomAD no frequency). This variant has not been reported in the literature in individuals affected with TCIRG1-related conditions. An algorithm developed to predict the effect of missense changes on protein structure and function (PolyPhen-2) suggests that this variant is likely to be disruptive. In summary, the available evidence is currently insufficient to determine the role of this variant in disease. Therefore, it has been classified as a Variant of Uncertain Significance.

NM_006019.4(TCIRG1):c.2412C>A (p.His804Gln)

Gene: TCIRG1 (T cell immune regulator 1, ATPase H+ transporting V0 subunit a3; plus strand). Cytogenetic location: 11q13.2.
Variant type: single nucleotide variant.
Coding change: c.2412C>A on transcript NM_006019.4 (MANE Select); coding-DNA position 2412, C replaced by A.
Protein change: p.His804Gln; replaces histidine 804 with glutamine.
Molecular consequence: missense variant. On other transcripts: intron variant (4).
Genome position (GRCh38, 1-based): chr11:68,050,662, C>A. VCF-style: chr11-68050662-C-A. GRCh37 (hg19) VCF-style: chr11-67818129-C-A.
Other names: c.1518C>A, p.His506Gln (NM_001351059.2); c.2412C>A, p.His804Gln (NM_001440552.1, NM_001440553.1, NM_001440554.1); c.2370C>A, p.His790Gln (NM_001440555.1, NM_001440556.1); c.2199C>A, p.His733Gln (NM_001440559.1, NM_001440560.1, NM_001440561.1 and 1 more transcripts); c.2157C>A, p.His719Gln (NM_001440564.1); c.2112C>A, p.His704Gln (NM_001440565.1); c.1950C>A, p.His650Gln (NM_001440567.1); c.1944C>A, p.His648Gln (NM_001440568.1); and 5 more; short protein forms H484Q, H790Q, H588Q, H648Q, H719Q, H804Q, H506Q, H650Q.
Identifiers: ClinVar variation 4766171 (VCV004766171.1).